The following is an entry in ClinVar:

NM_000179.3(MSH6):c.3476dup (p.Tyr1159Ter)

Gene: MSH6 (mutS homolog 6; plus strand). Cytogenetic location: 2p16.3.
Variant type: Duplication.
Coding change: c.3476dup on transcript NM_000179.3 (MANE Select); coding-DNA position 3476, one base duplicated (A; older notation c.3476dupA).
Protein change: p.Tyr1159Ter; replaces tyrosine 1159 with a stop codon.
Molecular consequence: nonsense.
Genome position (GRCh38, 1-based): chr2:47,804,947, A duplicated. VCF-style (leftmost placement, unchanged base first): chr2-47804946-T-TA. GRCh37 (hg19) VCF-style: chr2-48032085-T-TA.
Other names: p.Tyr1159X; p.Tyr1159*; c.3086dup, p.Tyr1029Ter (NM_001281492.2); c.2570dup, p.Tyr857Ter (NM_001281493.2, NM_001281494.2); c.3476dupA (NM_000179.2); short protein forms Y1159*, Y857*, Y1029*.
Identifiers: ClinVar variation 141918 (VCV000141918.39), dbSNP rs587782111, ClinGen allele CA166781.
Genomic context (GRCh38, chr2:47,804,946, plus strand): 5'-GACCTTTTCCTCCCTCATTCACAGGCTGGCTTATTAGCTGTAATGGCCCAGATGGGTTGT[T>TA]ACGTCCCTGCTGAAGTGTGCAGGCTCACACCAATTGATAGAGTGTTTACTAGACTTGGTG-3'

ClinVar aggregate classification (germline): Pathogenic/Likely pathogenic. Review status: criteria provided, multiple submitters, no conflicts (2 of 4 stars). 10 submissions from 10 submitters: Pathogenic (9); Likely pathogenic (1). Last evaluated 2026-01-19.

Conditions:
MSH6-related disorder. Also called: MSH6-related condition; MSH6-Related disorders.
Hereditary nonpolyposis colorectal neoplasms. Identifiers: MedGen C0009405, MeSH D003123.
Hereditary nonpolyposis colon cancer (HNPCC). Also called: Hereditary Nonpolyposis Colorectal Cancer Syndrome; Hereditary nonpolyposis colorectal cancer; Familial nonpolyposis colon cancer. Identifiers: Orphanet 443909, MedGen C1333990, MONDO:0018630. Disease mechanism: loss of function.
Hereditary cancer-predisposing syndrome. Also called: Neoplastic Syndromes, Hereditary; Tumor predisposition; Hereditary Cancer Syndrome; Hereditary neoplastic syndrome. Identifiers: Orphanet 140162, MedGen C0027672, MeSH D009386, MONDO:0015356.
Lynch syndrome. Identifiers: Orphanet 144, MedGen C4552100, MONDO:0005835. Disease mechanism: loss of function.
Lynch syndrome 5 (LYNCH5). Also called: Colorectal cancer, hereditary nonpolyposis, type 5; Hereditary non-polyposis colorectal cancer, type 5. Identifiers: Orphanet 144, MedGen C1833477, MONDO:0013710, OMIM 614350. Disease mechanism: loss of function.
Endometrial carcinoma. Also called: Endometrial carcinoma, somatic. Identifiers: MedGen C0476089, MONDO:0002447, OMIM 608089, HP:0012114.

Submissions (10):

Labcorp Genetics (formerly Invitae), Labcorp
Classification: Pathogenic for Hereditary nonpolyposis colorectal neoplasms. Last evaluated: 2026-01-19. Review status: criteria provided, single submitter. Criteria: Invitae Variant Classification Sherloc (09022015). Collection method: clinical testing. Allele origin: germline.
Comment: This sequence change creates a premature translational stop signal (p.Tyr1159*) in the MSH6 gene. It is expected to result in an absent or disrupted protein product. Loss-of-function variants in MSH6 are known to be pathogenic (PMID: 18269114, 24362816). This variant is not present in population databases (gnomAD no frequency). This premature translational stop signal has been observed in individual(s) with clinical features of Lynch syndrome (PMID: 27329137, 28514183). ClinVar contains an entry for this variant (Variation ID: 141918). For these reasons, this variant has been classified as Pathogenic.

Ambry Genetics
Classification: Pathogenic for Hereditary cancer-predisposing syndrome. Last evaluated: 2025-11-19. Review status: criteria provided, single submitter. Criteria: Ambry Variant Classification Scheme 2023. Collection method: clinical testing. Allele origin: germline.
Comment: The c.3476dupA pathogenic mutation, located in coding exon 6 of the MSH6 gene, results from a duplication of A at nucleotide position 3476, causing a translational frameshift with a predicted alternate stop codon (p.Y1159*). This variant was identified in a patient diagnosed with early onset colon cancer (Latham A et al. J. Clin. Oncol., 2019 Feb;37:286-29). Two other variants resulting in the same premature stop codon (c.3477C>A and c.3477delC) have been identified in multiple individuals suspected of having Lynch syndrome (Bonadona V et al. JAMA. 2011 Jun;305:2304-10; van Lier MG et al. J. Pathol. 2012 Apr;226:764-74). This variant is considered to be rare based on population cohorts in the Genome Aggregation Database (gnomAD). This alteration is expected to result in loss of function by premature protein truncation or nonsense-mediated mRNA decay. As such, this alteration is interpreted as a disease-causing mutation.

Institute of Human Genetics, FAU Erlangen, Friedrich-Alexander-Universität Erlangen-Nürnberg
Classification: Pathogenic. Last evaluated: 2025-08-15. Review status: criteria provided, single submitter. Criteria: Hauer et al. (Genet Med. 2018). Collection method: clinical testing. Allele origin: germline. Inheritance: Unknown mechanism. Affected: yes. Observed: 1 variant allele.
Comment: This variant has been identified by standard clinical testing.

GeneDx
Classification: Pathogenic. Last evaluated: 2024-04-24. Review status: criteria provided, single submitter. Criteria: GeneDx Variant Classification Process June 2021. Collection method: clinical testing. Allele origin: germline. Affected: yes.
Comment: Nonsense variant predicted to result in protein truncation or nonsense mediated decay in a gene for which loss of function is a known mechanism of disease; Observed in patients with Lynch-related cancers and tumor studies consistent with pathogenic variants in this gene (PMID: 27329137, 28514183, 30376427); Truncating variants in this gene are considered pathogenic by a well-established clinical consortium and/or database; Not observed at significant frequency in large population cohorts (gnomAD); This variant is associated with the following publications: (PMID: 30376427, 24755471, 28514183, 28152038, 28696559, 28502729, 27329137, 31447099, 22081473, 24362816, 18269114, 21868491, 21642682, 34687117, 32719484, 35346574, 33804961, 35070997, 36974724, 36974006, 35660797)

Myriad Genetics, Inc.
Classification: Pathogenic for Lynch syndrome 5. Last evaluated: 2023-08-23. Review status: criteria provided, single submitter. Criteria: Myriad Autosomal Dominant, Autosomal Recessive and X-Linked Classification Criteria (2023). Collection method: clinical testing. Allele origin: unknown.
Comment: This variant is considered pathogenic. This variant creates a termination codon and is predicted to result in premature protein truncation.

PreventionGenetics, part of Exact Sciences
Classification: Pathogenic for MSH6-related condition. Last evaluated: 2023-05-08. Review status: criteria provided, single submitter. Criteria: ACMG Guidelines, 2015. Collection method: clinical testing. Allele origin: germline.
Comment: The MSH6 c.3476dupA variant is predicted to result in premature protein termination (p.Tyr1159*). This variant was reported in the homozygous state in a pediatric lymphoma patient [reported as c.3476dupA (p.Tyr1159_Val1160delins*) in Sylvester et al. 2021. PubMed ID: 34687117]. This variant was also reported in a Lynch syndrome cohort (Espenschied et al. 2017. PubMed ID: 28514183), as well as in the heterozygous state in individuals with breast cancer (Supplemental Table S3, Tran et al. 2022. PubMed ID: 35070997), and colon cancer (referred to as c.3475_3476insA in Supplementary Table 3, Chubb et al. 2016. PubMed ID: 27329137; Rey et al. 2017. PubMed ID: 28502729). This variant has not been reported in a large population database, indicating this variant is rare. In ClinVar, this variant is interpreted as pathogenic. Nonsense variants in MSH6 are expected to be pathogenic. This variant is interpreted as pathogenic.

Women's Health and Genetics/Laboratory Corporation of America, LabCorp
Classification: Pathogenic for Hereditary nonpolyposis colon cancer. Last evaluated: 2023-01-12. Review status: criteria provided, single submitter. Criteria: LabCorp Variant Classification Summary - May 2015. Collection method: clinical testing. Allele origin: germline.
Comment: Variant summary: MSH6 c.3476dupA (p.Tyr1159X) results in a premature termination codon, predicted to cause a truncation of the encoded protein or absence of the protein due to nonsense mediated decay, which are commonly known mechanisms for disease. Truncations downstream of this position have been classified as pathogenic by our laboratory. The variant was absent in 254684 control chromosomes. c.3476dupA has been reported in the literature in individuals affected with Hereditary Nonpolyposis Colorectal Cancer and Lynch Syndrome (Chubb_2016, Espenschied_2017, Rey_2017, Latham_2019). These data indicate that the variant is likely to be associated with disease. In addition, the c.3477C>A and c.3477delC variants that cause the same nonsense change, p.Tyr1159X, have been reported in multiple affected individuals (Bonadona_2011, Marignol_2008, Perez-Cabonell_2011, Van Lier_2012).To our knowledge, no experimental evidence demonstrating an impact on protein function has been reported. Five clinical diagnostic laboratories have submitted clinical-significance assessments for this variant to ClinVar after 2014 without evidence for independent evaluation. All laboratories classified the variant as pathogenic. Based on the evidence outlined above, the variant was classified as pathogenic.

Baylor Genetics
Classification: Pathogenic for Endometrial carcinoma. Last evaluated: 2022-04-23. Review status: criteria provided, single submitter. Criteria: ACMG Guidelines, 2015. Collection method: clinical testing. Allele origin: unknown.

Mayo Clinic Laboratories, Mayo Clinic
Classification: Likely pathogenic. Last evaluated: 2022-03-16. Review status: criteria provided, single submitter. Criteria: ACMG Guidelines, 2015. Collection method: clinical testing. Allele origin: germline. Observed: 2 variant alleles.
Comment: PM2, PVS1

Laboratory for Molecular Medicine, Mass General Brigham Personalized Medicine
Classification: Pathogenic for Lynch syndrome. Last evaluated: 2017-07-14. Review status: criteria provided, single submitter. Criteria: LMM Criteria. Collection method: clinical testing. Allele origin: germline. Inheritance: Autosomal dominant inheritance. Observed: 3 variant alleles.
Comment: The p.Tyr1159X (c.3476_3477insA) variant in MSH6 has not been previously reporte d in the literature, but has been reported in ClinVar by other clinical laborato ries (Variation ID# 141918). This variant was absent from large population studi es. This nonsense variant leads to a premature termination codon at position 115 9, which is predicted to lead to a truncated or absent protein. Heterozygous los s of function of the MSH6 gene is an established disease mechanism in Lynch synd rome. Another nonsense variant at an adjacent nucleotide position (c.3477C>A) th at results in the same amino acid change has been reported in two individuals wi th Lynch syndrome (Perez-Carbonell 2010 and Bonadona 2011). Microsatellite inst ability was documented in the individual reported (Perez-Carbonell 2010). In sum mary, this variant meets criteria to be classified as pathogenic for Lynch syndr ome in an autosomal dominant manner based upon the predicted impact to the prote in and absence from controls.

Literature cited by the submitters: PubMed 18269114 (cited by Labcorp Genetics (formerly Invitae), Labcorp); PubMed 24362816 (cited by Labcorp Genetics (formerly Invitae), Labcorp); PubMed 27329137 (cited by Labcorp Genetics (formerly Invitae), Labcorp and Women's Health and Genetics/Laboratory Corporation of America, LabCorp); PubMed 28514183 (cited by Labcorp Genetics (formerly Invitae), Labcorp and Women's Health and Genetics/Laboratory Corporation of America, LabCorp); PubMed 21642682 (cited by 3 submitters); PubMed 22081473 (cited by Ambry Genetics and Women's Health and Genetics/Laboratory Corporation of America, LabCorp); PubMed 28502729 (cited by Ambry Genetics and Women's Health and Genetics/Laboratory Corporation of America, LabCorp); PubMed 30376427 (cited by Ambry Genetics and Women's Health and Genetics/Laboratory Corporation of America, LabCorp); PubMed 21868491 (cited by Women's Health and Genetics/Laboratory Corporation of America, LabCorp and Laboratory for Molecular Medicine, Mass General Brigham Personalized Medicine); PubMed 32719484 (cited by Women's Health and Genetics/Laboratory Corporation of America, LabCorp); PubMed 34687117 (cited by Women's Health and Genetics/Laboratory Corporation of America, LabCorp); PubMed 35070997 (cited by Women's Health and Genetics/Laboratory Corporation of America, LabCorp).